The following is an entry in ClinVar:

ClinVar aggregate classification (germline): Uncertain significance (1 of 4 stars; one submission).

Allele frequency attached by ClinVar (database versions not stated): TOPMed 0.00001; gnomAD exomes below 0.00001.

Submission:

GeneDx
Classification: Uncertain significance. Last evaluated: 2019-10-25. Review status: criteria provided, single submitter. Criteria: GeneDx Variant Classification Process June 2021. Collection method: clinical testing. Allele origin: germline. Affected: yes.
Comment: Not observed at a significant frequency in large population cohorts (Lek et al., 2016); In silico analysis, which includes protein predictors and evolutionary conservation, supports a deleterious effect; In silico analysis, which includes splice predictors and evolutionary conservation, suggests this variant may impact gene splicing. In the absence of RNA/functional studies, the actual effect of this sequence change is unknown.; Has not been previously published as pathogenic or benign to our knowledge

NM_016955.4(SEPSECS):c.436A>G (p.Met146Val)

Gene: SEPSECS (Sep (O-phosphoserine) tRNA:Sec (selenocysteine) tRNA synthase; minus strand). Cytogenetic location: 4p15.2.
Variant type: single nucleotide variant.
Coding change: c.436A>G on transcript NM_016955.4 (MANE Select); coding-DNA position 436, A replaced by G.
Protein change: p.Met146Val; replaces methionine 146 with valine.
Molecular consequence: missense variant.
Genome position (GRCh38, 1-based): chr4:25,156,148, T>C on the plus strand (A>G on the coding strand, the complement: SEPSECS is on the minus strand). VCF-style: chr4-25156148-T-C. GRCh37 (hg19) VCF-style: chr4-25157770-T-C.
Other names: short protein forms M146V.
Identifiers: ClinVar variation 1309568 (VCV001309568.2), dbSNP rs1553881645, ClinGen allele CA356542425.